The following is an entry in ClinVar:

NM_001367561.1(DOCK7):c.536G>A (p.Arg179His)

Gene: DOCK7 (dedicator of cytokinesis 7; minus strand). Cytogenetic location: 1p31.3.
Variant type: single nucleotide variant.
Coding change: c.536G>A on transcript NM_001367561.1 (MANE Select); coding-DNA position 536, G replaced by A.
Protein change: p.Arg179His; replaces arginine 179 with histidine.
Molecular consequence: missense variant.
Genome position (GRCh38, 1-based): chr1:62,648,302, C>T on the plus strand (G>A on the coding strand, the complement: DOCK7 is on the minus strand). VCF-style: chr1-62648302-C-T. GRCh37 (hg19) VCF-style: chr1-63113973-C-T.
Other names: c.536G>A, p.Arg179His (NM_001271999.2, NM_001272000.2, NM_001272001.2 and 3 more transcripts); short protein forms R179H.
Identifiers: ClinVar variation 1055145 (VCV001055145.9), dbSNP rs562025879, ClinGen allele CA887164.

ClinVar aggregate classification (germline): Uncertain significance (1 of 4 stars; one submission).

Conditions:
Developmental and epileptic encephalopathy, 23 (DEE23). Also called: Epileptic encephalopathy, early infantile, 23. Identifiers: Orphanet 411986, MedGen C4014492, MONDO:0014371, OMIM 615859.

Allele frequency attached by ClinVar (database versions not stated): gnomAD 0.00001; gnomAD exomes 0.00002; ExAC 0.00003; 1000 Genomes Project 30x 0.00016; 1000 Genomes Project 0.00020.
gnomAD v4.1: 36 of 1,610,788 alleles (0.0022%); highest among the groups gnomAD compares: Middle Eastern, 0.017%; no homozygotes.

Submission:

Labcorp Genetics (formerly Invitae), Labcorp
Classification: Uncertain significance for Developmental and epileptic encephalopathy, 23. Last evaluated: 2022-09-07. Review status: criteria provided, single submitter. Criteria: Invitae Variant Classification Sherloc (09022015). Collection method: clinical testing. Allele origin: germline.
Comment: In summary, the available evidence is currently insufficient to determine the role of this variant in disease. Therefore, it has been classified as a Variant of Uncertain Significance. Algorithms developed to predict the effect of missense changes on protein structure and function (SIFT, PolyPhen-2, Align-GVGD) all suggest that this variant is likely to be tolerated. ClinVar contains an entry for this variant (Variation ID: 1055145). This variant has not been reported in the literature in individuals affected with DOCK7-related conditions. This variant is present in population databases (rs562025879, gnomAD 0.003%). This sequence change replaces arginine, which is basic and polar, with histidine, which is basic and polar, at codon 179 of the DOCK7 protein (p.Arg179His).